The following is an entry in ClinVar:

ClinVar aggregate classification (germline): Uncertain significance (1 of 4 stars; one submission).

Submission:

CeGaT Center for Human Genetics Tuebingen
Classification: Uncertain significance. Last evaluated: 2026-06-01. Review status: criteria provided, single submitter. Criteria: CeGaT Center For Human Genetics Tuebingen Variant Classification Criteria Version 2. Collection method: clinical testing. Allele origin: germline. Affected: yes. Observed: 1 variant allele.
Comment: CDK13: PM2, PP2

NM_003718.5(CDK13):c.152C>A (p.Pro51Gln)

Gene: CDK13 (cyclin dependent kinase 13; plus strand). Cytogenetic location: 7p14.1.
Variant type: single nucleotide variant.
Coding change: c.152C>A on transcript NM_003718.5 (MANE Select); coding-DNA position 152, C replaced by A.
Protein change: p.Pro51Gln; replaces proline 51 with glutamine.
Molecular consequence: missense variant.
Genome position (GRCh38, 1-based): chr7:39,950,793, C>A. VCF-style: chr7-39950793-C-A. GRCh37 (hg19) VCF-style: chr7-39990392-C-A.
Other names: c.152C>A, p.Pro51Gln (NM_031267.4); short protein forms P51Q.
Identifiers: ClinVar variation 4875104 (VCV004875104.2).